The following is an entry in ClinVar:

ClinVar aggregate classification (germline): Uncertain significance (1 of 4 stars; one submission).

Allele frequency attached by ClinVar (database versions not stated): gnomAD exomes below 0.00001; ExAC 0.00001.
gnomAD v4.1: 1 of 1,564,216 alleles (0.000064%); highest among the groups gnomAD compares: Admixed American, 0.0019%; no homozygotes.

Submission:

GeneDx
Classification: Uncertain significance. Last evaluated: 2019-08-13. Review status: criteria provided, single submitter. Criteria: GeneDx Variant Classification Process June 2021. Collection method: clinical testing. Allele origin: germline. Affected: yes.
Comment: Not observed at a significant frequency in large population cohorts (Lek et al., 2016); In silico analysis, which includes protein predictors and evolutionary conservation, supports that this variant does not alter protein structure/function; Has not been previously published as pathogenic or benign to our knowledge

NM_001822.7(CHN1):c.1342G>A (p.Val448Met)

Gene: CHN1 (chimerin 1; minus strand). Cytogenetic location: 2q31.1.
Variant type: single nucleotide variant.
Coding change: c.1342G>A on transcript NM_001822.7 (MANE Select); coding-DNA position 1342, G replaced by A.
Protein change: p.Val448Met; replaces valine 448 with methionine.
Molecular consequence: missense variant. On other transcripts: non-coding transcript variant (1).
Genome position (GRCh38, 1-based): chr2:174,800,154, C>T on the plus strand (G>A on the coding strand, the complement: CHN1 is on the minus strand). VCF-style: chr2-174800154-C-T. GRCh37 (hg19) VCF-style: chr2-175664882-C-T.
Other names: c.1264G>A, p.Val422Met (NM_001025201.4); c.967G>A, p.Val323Met (NM_001206602.2); c.1342G>A, p.Val448Met (NM_001371513.1); c.1393G>A, p.Val465Met (NM_001371514.1); short protein forms V448M, V323M, V422M, V465M.
Identifiers: ClinVar variation 421756 (VCV000421756.3), dbSNP rs755106615, ClinGen allele CA1974776.